The following is an entry in ClinVar:

NM_030665.4(RAI1):c.262C>A (p.Gln88Lys)

Gene: RAI1 (retinoic acid induced 1; plus strand). Cytogenetic location: 17p11.2.
Variant type: single nucleotide variant.
Coding change: c.262C>A on transcript NM_030665.4 (MANE Select); coding-DNA position 262, C replaced by A.
Protein change: p.Gln88Lys; replaces glutamine 88 with lysine.
Molecular consequence: missense variant.
Genome position (GRCh38, 1-based): chr17:17,793,210, C>A. VCF-style: chr17-17793210-C-A. GRCh37 (hg19) VCF-style: chr17-17696524-C-A.
Other names: short protein forms Q88K.
Identifiers: ClinVar variation 4743573 (VCV004743573.1).

ClinVar aggregate classification (germline): Uncertain significance (1 of 4 stars; one submission).

Submission:

Labcorp Genetics (formerly Invitae), Labcorp
Classification: Uncertain significance. Last evaluated: 2026-01-26. Review status: criteria provided, single submitter. Criteria: Invitae Variant Classification Sherloc (09022015). Collection method: clinical testing. Allele origin: germline.
Comment: This sequence change replaces glutamine, which is neutral and polar, with lysine, which is basic and polar, at codon 88 of the RAI1 protein (p.Gln88Lys). This variant is not present in population databases (gnomAD no frequency). This variant has not been reported in the literature in individuals affected with RAI1-related conditions. Invitae Evidence Modeling of protein sequence and biophysical properties (such as structural, functional, and spatial information, amino acid conservation, physicochemical variation, residue mobility, and thermodynamic stability) indicates that this missense variant is expected to disrupt RAI1 protein function with a positive predictive value of 80%. In summary, the available evidence is currently insufficient to determine the role of this variant in disease. Therefore, it has been classified as a Variant of Uncertain Significance.